The following is an entry in ClinVar:

NM_018297.4(NGLY1):c.1611G>T (p.Met537Ile)

Gene: NGLY1 (N-glycanase 1; minus strand). Cytogenetic location: 3p24.2.
Variant type: single nucleotide variant.
Coding change: c.1611G>T on transcript NM_018297.4 (MANE Select); coding-DNA position 1611, G replaced by T.
Protein change: p.Met537Ile; replaces methionine 537 with isoleucine.
Molecular consequence: missense variant.
Genome position (GRCh38, 1-based): chr3:25,729,133, C>A on the plus strand (G>T on the coding strand, the complement: NGLY1 is on the minus strand). VCF-style: chr3-25729133-C-A. GRCh37 (hg19) VCF-style: chr3-25770624-C-A.
Other names: c.1557G>T, p.Met519Ile (NM_001145293.2); c.1485G>T, p.Met495Ile (NM_001145294.2); c.1611G>T, p.Met537Ile (NM_001145295.2); short protein forms M495I, M519I, M537I.
Identifiers: ClinVar variation 3907581 (VCV003907581.1).

ClinVar aggregate classification (germline): Uncertain significance (1 of 4 stars; one submission).

Submission:

Women's Health and Genetics/Laboratory Corporation of America, LabCorp
Classification: Uncertain significance. Last evaluated: 2025-06-23. Review status: criteria provided, single submitter. Criteria: LabCorp Variant Classification Summary - May 2015. Collection method: clinical testing. Allele origin: germline.
Comment: Variant summary: NGLY1 c.1611G>T (p.Met537Ile) results in a conservative amino acid change in the encoded protein sequence. Algorithms developed to predict the effect of missense changes on protein structure and function are either unavailable or do not agree on the potential impact of this missense change. Several computational tools predict a significant impact on normal splicing: Two predict the variant abolishes a 5' splicing donor site. One predict the variant weakens a 5' donor site. However, these predictions have yet to be confirmed by functional studies. The variant allele was found at a frequency of 5e-06 in 201420 control chromosomes. The available data on variant occurrences in the general population are insufficient to allow any conclusion about variant significance. To our knowledge, no occurrence of c.1611G>T in individuals affected with Congenital Disorder Of Deglycosylation and no experimental evidence demonstrating its impact on protein function have been reported. No submitters have cited clinical-significance assessments for this variant to ClinVar. Based on the evidence outlined above, the variant was classified as uncertain significance.